The following is an entry in ClinVar:

ClinVar aggregate classification (germline): Uncertain significance (1 of 4 stars; one submission).

Allele frequency attached by ClinVar (database versions not stated): gnomAD exomes below 0.00001.
gnomAD v4.1: 1 of 1,604,776 alleles (0.000062%); highest among the groups gnomAD compares: Non-Finnish European, 0.000085%; no homozygotes.

Submission:

Labcorp Genetics (formerly Invitae), Labcorp
Classification: Uncertain significance. Last evaluated: 2022-08-08. Review status: criteria provided, single submitter. Criteria: Invitae Variant Classification Sherloc (09022015). Collection method: clinical testing. Allele origin: germline.
Comment: This sequence change replaces alanine, which is neutral and non-polar, with valine, which is neutral and non-polar, at codon 2565 of the SPEG protein (p.Ala2565Val). This variant is not present in population databases (gnomAD no frequency). In summary, the available evidence is currently insufficient to determine the role of this variant in disease. Therefore, it has been classified as a Variant of Uncertain Significance. Algorithms developed to predict the effect of missense changes on protein structure and function are either unavailable or do not agree on the potential impact of this missense change (SIFT: "Deleterious"; PolyPhen-2: "Benign"; Align-GVGD: "Class C0"). This variant has not been reported in the literature in individuals affected with SPEG-related conditions.

NM_005876.5(SPEG):c.7694C>T (p.Ala2565Val)

Genes: ASIC4-AS1 (ASIC4 antisense RNA 1; minus strand), SPEG (striated muscle enriched protein kinase; plus strand). Cytogenetic location: 2q35.
Variant type: single nucleotide variant.
Coding change: c.7694C>T on transcript NM_005876.5 (MANE Select); coding-DNA position 7694, C replaced by T.
Protein change: p.Ala2565Val; replaces alanine 2565 with valine.
Molecular consequence: missense variant.
Genome position (GRCh38, 1-based): chr2:219,485,430, C>T. VCF-style: chr2-219485430-C-T. GRCh37 (hg19) VCF-style: chr2-220350152-C-T.
Other names: short protein forms A2565V.
Identifiers: ClinVar variation 2413542 (VCV002413542.5), dbSNP rs2545958344, ClinGen allele CA350703703.